The following is an entry in ClinVar:

NM_182643.3(DLC1):c.800T>C (p.Leu267Pro)

Gene: DLC1 (DLC1 Rho GTPase activating protein; minus strand). Cytogenetic location: 8p22.
Variant type: single nucleotide variant.
Coding change: c.800T>C on transcript NM_182643.3 (MANE Select); coding-DNA position 800, T replaced by C.
Protein change: p.Leu267Pro; replaces leucine 267 with proline.
Molecular consequence: missense variant. On other transcripts: 5 prime UTR variant (1).
Genome position (GRCh38, 1-based): chr8:13,499,272, A>G on the plus strand (T>C on the coding strand, the complement: DLC1 is on the minus strand). VCF-style: chr8-13499272-A-G. GRCh37 (hg19) VCF-style: chr8-13356781-A-G.
Other names: c.800T>C (NM_182643.2); c.800T>C, p.Leu267Pro (NM_001348081.2, NM_001413124.1, NM_001413125.1 and 1 more transcripts); c.-652T>C (NM_001348082.2); short protein forms L267P.
Identifiers: ClinVar variation 2169466 (VCV002169466.6), dbSNP rs544799456, ClinGen allele CA4639394.
Genomic context (GRCh38, chr8:13,499,272, plus strand): 5'-CCATTGGGGCAGGAAGGAGGCTGCAGAAGGCAGCTTCCAAAATCTGTTTTTAATAATGGC[A>G]GTCCTCTGTTTGTGCAAGGAGTATCCAAGAACTCATTTTGTACTACATTGCAGGTGCTTC-3'
Protein context (NP_872584.2, residues 257-277): FLDTPCTNRG[Leu267Pro]PLLKTDFGSC

ClinVar aggregate classification (germline): Likely benign. Review status: criteria provided, single submitter (1 of 4 stars). 2 submissions from 2 submitters: Likely benign (1). 1 of the submissions does not count toward it. Last evaluated 2025-12-21.

Conditions:
DLC1-related disorder. Also called: DLC1-related condition.

Allele frequency attached by ClinVar (database versions not stated): TOPMed 0.00002; gnomAD 0.00013; gnomAD exomes 0.00020; ExAC 0.00054; 1000 Genomes Project 30x 0.00125; 1000 Genomes Project 0.00140.
gnomAD v4.1: 317 of 1,614,188 alleles (0.02%); highest among the groups gnomAD compares: South Asian, 0.33%; no homozygotes.

Submissions (2):

Labcorp Genetics (formerly Invitae), Labcorp
Classification: Likely benign. Last evaluated: 2025-12-21. Review status: criteria provided, single submitter. Criteria: Invitae Variant Classification Sherloc (09022015). Collection method: clinical testing. Allele origin: germline.

PreventionGenetics, part of Exact Sciences
Classification: Likely benign for DLC1-related condition. Last evaluated: 2022-09-13. Review status: no assertion criteria provided. Collection method: clinical testing. Allele origin: germline. Not counted in ClinVar's aggregate classification.
Comment: This variant is classified as likely benign based on ACMG/AMP sequence variant interpretation guidelines (Richards et al. 2015 PMID: 25741868, with internal and published modifications).